The following is an entry in ClinVar:

ClinVar aggregate classification (germline): Uncertain significance. Review status: criteria provided, multiple submitters, no conflicts (2 of 4 stars). 4 submissions from 4 submitters: Uncertain significance (4). Last evaluated 2025-10-07.

Conditions:
Hereditary nonpolyposis colorectal neoplasms. Identifiers: MedGen C0009405, MeSH D003123.
Hereditary cancer-predisposing syndrome. Also called: Neoplastic Syndromes, Hereditary; Tumor predisposition; Hereditary Cancer Syndrome; Hereditary neoplastic syndrome. Identifiers: Orphanet 140162, MedGen C0027672, MeSH D009386, MONDO:0015356.
Endometrial carcinoma. Also called: Endometrial carcinoma, somatic. Identifiers: MedGen C0476089, MONDO:0002447, OMIM 608089, HP:0012114.

Allele frequency attached by ClinVar (database versions not stated): gnomAD exomes below 0.00001.
gnomAD v4.1: 6 of 1,614,060 alleles (0.00037%); highest among the groups gnomAD compares: Non-Finnish European, 0.00051%; no homozygotes.

Submissions (4):

Labcorp Genetics (formerly Invitae), Labcorp
Classification: Uncertain significance for Hereditary nonpolyposis colorectal neoplasms. Last evaluated: 2025-10-07. Review status: criteria provided, single submitter. Criteria: Invitae Variant Classification Sherloc (09022015). Collection method: clinical testing. Allele origin: germline.
Comment: This sequence change replaces alanine, which is neutral and non-polar, with valine, which is neutral and non-polar, at codon 182 of the MSH6 protein (p.Ala182Val). This variant is not present in population databases (gnomAD no frequency). This variant has not been reported in the literature in individuals affected with MSH6-related conditions. ClinVar contains an entry for this variant (Variation ID: 232472). Invitae Evidence Modeling of protein sequence and biophysical properties (such as structural, functional, and spatial information, amino acid conservation, physicochemical variation, residue mobility, and thermodynamic stability) indicates that this missense variant is not expected to disrupt MSH6 protein function with a negative predictive value of 95%. In summary, the available evidence is currently insufficient to determine the role of this variant in disease. Therefore, it has been classified as a Variant of Uncertain Significance.

Ambry Genetics
Classification: Uncertain significance for Hereditary cancer-predisposing syndrome. Last evaluated: 2024-11-18. Review status: criteria provided, single submitter. Criteria: Ambry Variant Classification Scheme 2023. Collection method: clinical testing. Allele origin: germline.
Comment: The p.A182V variant (also known as c.545C>T), located in coding exon 3 of the MSH6 gene, results from a C to T substitution at nucleotide position 545. The alanine at codon 182 is replaced by valine, an amino acid with similar properties. This amino acid position is highly conserved in available vertebrate species. In addition, this alteration is predicted to be tolerated by in silico analysis. Based on the available evidence, the clinical significance of this variant remains unclear.

Baylor Genetics
Classification: Uncertain significance for Endometrial carcinoma. Last evaluated: 2023-11-23. Review status: criteria provided, single submitter. Criteria: ACMG Guidelines, 2015. Collection method: clinical testing. Allele origin: unknown.

Color Diagnostics, LLC DBA Color Health
Classification: Uncertain significance for Hereditary cancer-predisposing syndrome. Last evaluated: 2020-02-24. Review status: criteria provided, single submitter. Criteria: ACMG Guidelines, 2015. Collection method: clinical testing. Allele origin: germline.
Comment: This missense variant replaces alanine with valine at codon 182 of the MSH6 protein. Computational prediction suggests that this variant may not impact protein structure and function (internally defined REVEL score threshold <= 0.5, PMID: 27666373). Splice site prediction tools suggest that this variant may not impact RNA splicing. To our knowledge, functional studies have not been performed for this variant. This variant has not been reported in individuals affected with hereditary cancer in the literature. This variant has not been identified in the general population by the Genome Aggregation Database (gnomAD). The available evidence is insufficient to determine the role of this variant in disease conclusively. Therefore, this variant is classified as a Variant of Uncertain Significance.

NM_000179.3(MSH6):c.545C>T (p.Ala182Val)

Gene: MSH6 (mutS homolog 6; plus strand). Cytogenetic location: 2p16.3.
Variant type: single nucleotide variant.
Coding change: c.545C>T on transcript NM_000179.3 (MANE Select); coding-DNA position 545, C replaced by T.
Protein change: p.Ala182Val; replaces alanine 182 with valine.
Molecular consequence: missense variant. On other transcripts: 5 prime UTR variant (1), intron variant (2).
Genome position (GRCh38, 1-based): chr2:47,795,981, C>T. VCF-style: chr2-47795981-C-T. GRCh37 (hg19) VCF-style: chr2-48023120-C-T.
Other names: c.-358C>T (NM_001281494.2); c.-279-2630C>T (NM_001281493.2); c.238-2630C>T (NM_001281492.2); short protein forms A182V.
Identifiers: ClinVar variation 232472 (VCV000232472.11), dbSNP rs876659786, ClinGen allele CA10578038.
Genomic context (GRCh38, chr2:47,795,981, plus strand): 5'-GAGGTCATTTTTACAGTGCAAAGCCTGAAATACTGAGAGCAATGCAACGTGCAGATGAAG[C>T]CTTAAATAAAGACAAGATTAAGAGGCTTGAATTGGCAGTTTGTGATGAGCCCTCAGAGCC-3'
Protein context (NP_000170.1, residues 172-192): ILRAMQRADE[Ala182Val]LNKDKIKRLE